The following is an entry in ClinVar:

ClinVar aggregate classification (germline): Uncertain significance. Review status: criteria provided, multiple submitters, no conflicts (2 of 4 stars). 2 submissions from 2 submitters: Uncertain significance (2). Last evaluated 2025-04-01.

Conditions:
Radioulnar synostosis with amegakaryocytic thrombocytopenia 1 (RUSAT1). Also called: THROMBOCYTOPENIA, CONGENITAL, WITH RADIOULNAR SYNOSTOSIS. Identifiers: Orphanet 71289, MedGen C4551975, MONDO:0024558, OMIM 605432.

gnomAD v4.1: 175 of 1,533,274 alleles (0.011%); highest among the groups gnomAD compares: Non-Finnish European, 0.014%; no homozygotes.

Submissions (2):

ARUP Laboratories, Molecular Genetics and Genomics, ARUP Laboratories
Classification: Uncertain significance for Radioulnar synostosis with amegakaryocytic thrombocytopenia 1. Last evaluated: 2025-04-01. Review status: criteria provided, single submitter. Criteria: ARUP Molecular Germline Variant Investigation Process 2024. Collection method: clinical testing. Allele origin: germline.
Comment: The HOXA11 c.644G>T; p.Arg215Leu variant (rs764993725), to our knowledge, is not reported in the medical literature or gene specific databases. This variant is only observed on six alleles in the Genome Aggregation Database (v2.1.1), indicating it is not a common polymorphism. Computational analyses are uncertain whether this variant is neutral or deleterious (REVEL: 0.357). Due to limited information, the clinical significance of this variant is uncertain at this time.

Mayo Clinic Laboratories, Mayo Clinic
Classification: Uncertain significance. Last evaluated: 2024-06-19. Review status: criteria provided, single submitter. Criteria: ACMG Guidelines, 2015. Collection method: clinical testing. Allele origin: germline. Observed: 1 variant allele.
Comment: PM1_supporting

NM_005523.6(HOXA11):c.644G>T (p.Arg215Leu)

Genes: HOXA11 (homeobox A11; minus strand), LOC107126281 (NUP98-HOXA11 recombination region; plus strand). Cytogenetic location: 7p15.2.
Variant type: single nucleotide variant.
Coding change: c.644G>T on transcript NM_005523.6 (MANE Select); coding-DNA position 644, G replaced by T.
Protein change: p.Arg215Leu; replaces arginine 215 with leucine.
Molecular consequence: missense variant.
Genome position (GRCh38, 1-based): chr7:27,184,501, C>A on the plus strand (G>T on the coding strand, the complement: HOXA11 is on the minus strand). VCF-style: chr7-27184501-C-A. GRCh37 (hg19) VCF-style: chr7-27224120-C-A.
Other names: p.Arg215Leu; short protein forms R215L.
Identifiers: ClinVar variation 3379742 (VCV003379742.2).
Genomic context (GRCh38, chr7:27,184,501, plus strand): 5'-CCGCCGGCCTTGTCCTCAGTGTGGCCGGAAGACGACTCGGGGCTGCTGCTGCTCTCGGGG[C>A]GCCGCCGCCGCTCTTTCTCCTCTGCTGCCGCCGCCGTCTCCCGGCAGCCGCCGCCGCCGC-3'
Protein context (NP_005514.1, residues 205-225): AAAEEKERRR[Arg215Leu]PESSSSPESS